The following is an entry in ClinVar:

NM_007098.4(CLTCL1):c.153G>A (p.Thr51=)

Gene: CLTCL1 (clathrin heavy chain like 1; minus strand). Cytogenetic location: 22q11.21.
Variant type: single nucleotide variant.
Coding change: c.153G>A on transcript NM_007098.4 (MANE Select); coding-DNA position 153, G replaced by A.
Protein change: p.Thr51=; no amino-acid change (threonine 51 retained).
Molecular consequence: synonymous variant.
Genome position (GRCh38, 1-based): chr22:19,275,720, C>T on the plus strand (G>A on the coding strand, the complement: CLTCL1 is on the minus strand). VCF-style: chr22-19275720-C-T. GRCh37 (hg19) VCF-style: chr22-19263243-C-T.
Other names: c.153G>A, p.Thr51= (NM_001835.4).
Identifiers: ClinVar variation 3389396 (VCV003389396.14).

ClinVar aggregate classification (germline): Likely benign (1 of 4 stars; one submission).

gnomAD v4.1: 10 of 1,607,378 alleles (0.00062%); highest among the groups gnomAD compares: Admixed American, 0.0034%; no homozygotes.

Submission:

CeGaT Center for Human Genetics Tuebingen
Classification: Likely benign. Last evaluated: 2024-10-01. Review status: criteria provided, single submitter. Criteria: CeGaT Center For Human Genetics Tuebingen Variant Classification Criteria Version 2. Collection method: clinical testing. Allele origin: germline. Affected: yes. Observed: 1 variant allele.
Comment: CLTCL1: BP4, BP7